The following is an entry in ClinVar:

ClinVar aggregate classification (germline): Uncertain significance. Review status: criteria provided, multiple submitters, no conflicts (2 of 4 stars). 2 submissions from 2 submitters: Uncertain significance (2). Last evaluated 2025-02-14.

Conditions:
Familial melanoma. Also called: Hereditary melanoma; Hereditary cutaneous melanoma. Identifiers: Orphanet 618, MedGen C1512419, MONDO:0018961.
Hereditary cancer-predisposing syndrome. Also called: Tumor predisposition; Neoplastic Syndromes, Hereditary; Hereditary Cancer Syndrome; Hereditary neoplastic syndrome. Identifiers: Orphanet 140162, MedGen C0027672, MeSH D009386, MONDO:0015356.

gnomAD v4.1: 1 of 1,605,138 alleles (0.000062%); highest among the groups gnomAD compares: South Asian, 0.0011%; no homozygotes.

Submissions (2):

Ambry Genetics
Classification: Uncertain significance for Hereditary cancer-predisposing syndrome. Last evaluated: 2025-02-14. Review status: criteria provided, single submitter. Criteria: Ambry Variant Classification Scheme 2023. Collection method: clinical testing. Allele origin: germline.
Comment: The p.T8S variant (also known as c.23C>G), located in coding exon 1 of the CDKN2A gene, results from a C to G substitution at nucleotide position 23. The threonine at codon 8 is replaced by serine, an amino acid with similar properties. This amino acid position is highly conserved in available vertebrate species. In addition, the in silico prediction for this alteration is inconclusive. Based on the available evidence, the clinical significance of this variant remains unclear.

Labcorp Genetics (formerly Invitae), Labcorp
Classification: Uncertain significance for Familial melanoma. Last evaluated: 2021-07-14. Review status: criteria provided, single submitter. Criteria: Invitae Variant Classification Sherloc (09022015). Collection method: clinical testing. Allele origin: germline.

NM_058195.4(CDKN2A):c.23C>G (p.Thr8Ser)

Gene: CDKN2A (cyclin dependent kinase inhibitor 2A; minus strand). Cytogenetic location: 9p21.3.
Variant type: single nucleotide variant.
Coding change: c.23C>G on transcript NM_058195.4 (MANE Plus Clinical); coding-DNA position 23, C replaced by G.
Protein change: p.Thr8Ser; replaces threonine 8 with serine.
Molecular consequence: missense variant. On other transcripts: intron variant (1).
Genome position (GRCh38, 1-based): chr9:21,994,309, G>C on the plus strand (C>G on the coding strand, the complement: CDKN2A is on the minus strand). VCF-style: chr9-21994309-G-C. GRCh37 (hg19) VCF-style: chr9-21994308-G-C.
Other names: c.-4+512C>G (NM_001363763.2); short protein forms T8S.
Identifiers: ClinVar variation 848624 (VCV000848624.9), dbSNP rs1820536698, ClinGen allele CA373087092.